The following is an entry in ClinVar:

ClinVar aggregate classification (germline): Uncertain significance (1 of 4 stars; one submission).

Conditions:
STAR-related disorder. Also called: STAR-related condition.

gnomAD v4.1: 2 of 1,605,586 alleles (0.00012%); highest among the groups gnomAD compares: Admixed American, 0.0034%; no homozygotes.

Submission:

PreventionGenetics, part of Exact Sciences
Classification: Uncertain significance for STAR-related condition. Last evaluated: 2025-11-11. Review status: criteria provided, single submitter. Criteria: ACMG Guidelines, 2015. Collection method: clinical testing. Allele origin: germline.
Comment: The STAR c.771C>G variant is predicted to result in the amino acid substitution p.Asn257Lys. To our knowledge, this variant has not been reported in the literature. This variant is reported in 0.0061% of alleles in individuals of Latino descent in gnomAD. At this time, the clinical significance of this variant is uncertain due to the absence of conclusive functional and genetic evidence.

NM_000349.3(STAR):c.771C>G (p.Asn257Lys)

Gene: STAR (steroidogenic acute regulatory protein; minus strand). Cytogenetic location: 8p11.23.
Variant type: single nucleotide variant.
Coding change: c.771C>G on transcript NM_000349.3 (MANE Select); coding-DNA position 771, C replaced by G.
Protein change: p.Asn257Lys; replaces asparagine 257 with lysine.
Molecular consequence: missense variant.
Genome position (GRCh38, 1-based): chr8:38,144,360, G>C on the plus strand (C>G on the coding strand, the complement: STAR is on the minus strand). VCF-style: chr8-38144360-G-C. GRCh37 (hg19) VCF-style: chr8-38001878-G-C.
Other names: short protein forms N257K.
Identifiers: ClinVar variation 4978411 (VCV004978411.1).